The following is an entry in ClinVar:

ClinVar aggregate classification (germline): Uncertain significance (1 of 4 stars; one submission).

gnomAD v4.1: 1 of 1,600,172 alleles (0.000062%); highest among the groups gnomAD compares: Non-Finnish European, 0.000086%; no homozygotes.

Submission:

Women's Health and Genetics/Laboratory Corporation of America, LabCorp
Classification: Uncertain significance. Last evaluated: 2024-05-03. Review status: criteria provided, single submitter. Criteria: LabCorp Variant Classification Summary - May 2015. Collection method: clinical testing. Allele origin: germline.
Comment: Variant summary: CPS1 c.2950T>C (p.Tyr984His) results in a conservative amino acid change in the encoded protein sequence. Four of five in-silico tools predict a damaging effect of the variant on protein function. The variant was absent in 251064 control chromosomes. The available data on variant occurrences in the general population are insufficient to allow any conclusion about variant significance. c.2950T>C has been reported in the literature in an individual affected with Carbamoylphosphate Synthetase I Deficiency (Haberle_2011). This report does not provide unequivocal conclusions about association of the variant with Carbamoylphosphate Synthetase I Deficiency. To our knowledge, no experimental evidence demonstrating an impact on protein function has been reported. The following publication have been ascertained in the context of this evaluation (PMID: 21120950). No submitters have cited clinical-significance assessments for this variant to ClinVar. Based on the evidence outlined above, the variant was classified as uncertain significance.

Literature cited by the submitters: PubMed 21120950.

NM_001875.5(CPS1):c.2950T>C (p.Tyr984His)

Gene: CPS1 (carbamoyl-phosphate synthase 1; plus strand). Cytogenetic location: 2q34.
Variant type: single nucleotide variant.
Coding change: c.2950T>C on transcript NM_001875.5 (MANE Select); coding-DNA position 2950, T replaced by C.
Protein change: p.Tyr984His; replaces tyrosine 984 with histidine.
Molecular consequence: missense variant. On other transcripts: non-coding transcript variant (2).
Genome position (GRCh38, 1-based): chr2:210,640,050, T>C. VCF-style: chr2-210640050-T-C. GRCh37 (hg19) VCF-style: chr2-211504774-T-C.
Other names: c.2950T>C, p.Tyr984His (NM_001122633.3, NM_001369257.1); c.2983T>C, p.Tyr995His (NM_001369256.1); short protein forms Y984H, Y995H.
Identifiers: ClinVar variation 3336201 (VCV003336201.1).